The following is an entry in ClinVar:

ClinVar aggregate classification (germline): Uncertain significance. Review status: criteria provided, multiple submitters, no conflicts (2 of 4 stars). 2 submissions from 2 submitters: Uncertain significance (2). Last evaluated 2024-06-21.

gnomAD v4.1: 1 of 1,613,532 alleles (0.000062%); highest among the groups gnomAD compares: Admixed American, 0.0017%; no homozygotes.

Submissions (2):

Blueprint Genetics
Classification: Uncertain significance. Last evaluated: 2024-06-21. Review status: criteria provided, single submitter. Criteria: ACMG Guidelines, 2015. Collection method: clinical testing. Allele origin: germline.

Labcorp Genetics (formerly Invitae), Labcorp
Classification: Uncertain significance. Last evaluated: 2022-05-13. Review status: criteria provided, single submitter. Criteria: Invitae Variant Classification Sherloc (09022015). Collection method: clinical testing. Allele origin: germline.
Comment: This sequence change replaces alanine, which is neutral and non-polar, with serine, which is neutral and polar, at codon 755 of the CARMIL2 protein (p.Ala755Ser). This variant is not present in population databases (gnomAD no frequency). This variant has not been reported in the literature in individuals affected with CARMIL2-related conditions. Algorithms developed to predict the effect of missense changes on protein structure and function are either unavailable or do not agree on the potential impact of this missense change (SIFT: "Deleterious"; PolyPhen-2: "Benign"; Align-GVGD: "Class C0"). In summary, the available evidence is currently insufficient to determine the role of this variant in disease. Therefore, it has been classified as a Variant of Uncertain Significance.

NM_001013838.3(CARMIL2):c.2263G>T (p.Ala755Ser)

Gene: CARMIL2 (capping protein regulator and myosin 1 linker 2; plus strand). Cytogenetic location: 16q22.1.
Variant type: single nucleotide variant.
Coding change: c.2263G>T on transcript NM_001013838.3 (MANE Select); coding-DNA position 2263, G replaced by T.
Protein change: p.Ala755Ser; replaces alanine 755 with serine.
Molecular consequence: missense variant.
Genome position (GRCh38, 1-based): chr16:67,651,265, G>T. VCF-style: chr16-67651265-G-T. GRCh37 (hg19) VCF-style: chr16-67685168-G-T.
Other names: c.2155G>T, p.Ala719Ser (NM_001317026.3); short protein forms A755S, A719S.
Identifiers: ClinVar variation 2187327 (VCV002187327.2), dbSNP rs372182646, ClinGen allele CA283208551.